The following is an entry in ClinVar:

NM_004281.4(BAG3):c.1109C>T (p.Pro370Leu)

Gene: BAG3 (BAG cochaperone 3; plus strand). Cytogenetic location: 10q26.11.
Variant type: single nucleotide variant.
Coding change: c.1109C>T on transcript NM_004281.4 (MANE Select); coding-DNA position 1109, C replaced by T.
Protein change: p.Pro370Leu; replaces proline 370 with leucine.
Molecular consequence: missense variant.
Genome position (GRCh38, 1-based): chr10:119,676,663, C>T. VCF-style: chr10-119676663-C-T. GRCh37 (hg19) VCF-style: chr10-121436175-C-T.
Other names: short protein forms P370L.
Identifiers: ClinVar variation 1423546 (VCV001423546.8), dbSNP rs746602007, ClinGen allele CA5716487.

ClinVar aggregate classification (germline): Uncertain significance (1 of 4 stars; one submission).

Conditions:
Myofibrillar myopathy 6. Identifiers: Orphanet 199340, MedGen C2751831, MONDO:0013061, OMIM 612954.
Dilated cardiomyopathy 1HH (CMD1HH). Identifiers: Orphanet 154, MedGen C3151293, MONDO:0013479, OMIM 613881.

Allele frequency attached by ClinVar (database versions not stated): gnomAD exomes below 0.00001 and 0.00001; TOPMed below 0.00001; ExAC 0.00001.
gnomAD v4.1: 2 of 1,614,162 alleles (0.00012%); highest among the groups gnomAD compares: South Asian, 0.0011%; no homozygotes.

Submission:

Labcorp Genetics (formerly Invitae), Labcorp
Classification: Uncertain significance for Dilated cardiomyopathy 1HH; Myofibrillar myopathy 6. Last evaluated: 2021-10-03. Review status: criteria provided, single submitter. Criteria: Invitae Variant Classification Sherloc (09022015). Collection method: clinical testing. Allele origin: germline.
Comment: In summary, the available evidence is currently insufficient to determine the role of this variant in disease. Therefore, it has been classified as a Variant of Uncertain Significance. This variant has not been reported in the literature in individuals with BAG3-related conditions. This variant is present in population databases (rs746602007, ExAC 0.006%). This sequence change replaces proline with leucine at codon 370 of the BAG3 protein (p.Pro370Leu). The proline residue is moderately conserved and there is a moderate physicochemical difference between proline and leucine.